The following is an entry in ClinVar:

ClinVar aggregate classification (germline): Uncertain significance. Review status: criteria provided, multiple submitters, no conflicts (2 of 4 stars). 2 submissions from 2 submitters: Uncertain significance (2). Last evaluated 2026-07-02.

Conditions:
Hereditary cancer-predisposing syndrome. Also called: Neoplastic Syndromes, Hereditary; Hereditary Cancer Syndrome; Hereditary neoplastic syndrome; Tumor predisposition. Identifiers: Orphanet 140162, MedGen C0027672, MeSH D009386, MONDO:0015356.

gnomAD v4.1: 1 of 1,614,052 alleles (0.000062%); no homozygotes.

Submissions (2):

Ambry Genetics
Classification: Uncertain significance for Hereditary cancer-predisposing syndrome. Last evaluated: 2026-07-02. Review status: criteria provided, single submitter. Criteria: Ambry Variant Classification Scheme 2023. Collection method: clinical testing. Allele origin: germline.
Comment: The p.V597I variant (also known as c.1789G>A), located in coding exon 13 of the MSH3 gene, results from a G to A substitution at nucleotide position 1789. The valine at codon 597 is replaced by isoleucine, an amino acid with highly similar properties. This amino acid position is conserved. In addition, this alteration is predicted to be tolerated by in silico analysis. Based on the available evidence, the clinical significance of this variant remains unclear.

Labcorp Genetics (formerly Invitae), Labcorp
Classification: Uncertain significance. Last evaluated: 2023-01-09. Review status: criteria provided, single submitter. Criteria: Invitae Variant Classification Sherloc (09022015). Collection method: clinical testing. Allele origin: germline.
Comment: This sequence change replaces valine, which is neutral and non-polar, with isoleucine, which is neutral and non-polar, at codon 597 of the MSH3 protein (p.Val597Ile). This variant is not present in population databases (gnomAD no frequency). This variant has not been reported in the literature in individuals affected with MSH3-related conditions. ClinVar contains an entry for this variant (Variation ID: 656764). Algorithms developed to predict the effect of missense changes on protein structure and function output the following: SIFT: "Tolerated"; PolyPhen-2: "Benign"; Align-GVGD: "Class C0". The isoleucine amino acid residue is found in multiple mammalian species, which suggests that this missense change does not adversely affect protein function. In summary, the available evidence is currently insufficient to determine the role of this variant in disease. Therefore, it has been classified as a Variant of Uncertain Significance.

NM_002439.5(MSH3):c.1789G>A (p.Val597Ile)

Gene: MSH3 (mutS homolog 3; plus strand). Cytogenetic location: 5q14.1.
Variant type: single nucleotide variant.
Coding change: c.1789G>A on transcript NM_002439.5 (MANE Select); coding-DNA position 1789, G replaced by A.
Protein change: p.Val597Ile; replaces valine 597 with isoleucine.
Molecular consequence: missense variant.
Genome position (GRCh38, 1-based): chr5:80,761,571, G>A. VCF-style: chr5-80761571-G-A. GRCh37 (hg19) VCF-style: chr5-80057390-G-A.
Other names: c.1789G>A (NM_002439.3); short protein forms V597I.
Identifiers: ClinVar variation 656764 (VCV000656764.9), dbSNP rs1580027442, ClinGen allele CA360276517.
Genomic context (GRCh38, chr5:80,761,571, plus strand): 5'-CATATCTGATTATTGCTATTACTCTTTTCTCACAGGGAAATAAATGCCCGGCTTGATGCT[G>A]TATCGGAAGTTCTCCATTCAGAATCTAGTGTGTTTGGTCAGATAGAAAATCATCTACGTA-3'
Protein context (NP_002430.3, residues 587-607): LREINARLDA[Val597Ile]SEVLHSESSV